The following is an entry in ClinVar:

NM_177972.3(TUB):c.1498G>A (p.Asp500Asn)

Genes: RIC3 (RIC3 acetylcholine receptor chaperone; minus strand), TUB (TUB bipartite transcription factor; plus strand). Cytogenetic location: 11p15.4.
Variant type: single nucleotide variant.
Coding change: c.1498G>A on transcript NM_177972.3 (MANE Select); coding-DNA position 1498, G replaced by A.
Protein change: p.Asp500Asn; replaces aspartic acid 500 with asparagine.
Molecular consequence: missense variant.
Genome position (GRCh38, 1-based): chr11:8,101,596, G>A. VCF-style: chr11-8101596-G-A. GRCh37 (hg19) VCF-style: chr11-8123143-G-A.
Other names: c.1663G>A, p.Asp555Asn (NM_003320.5); short protein forms D500N, D555N.
Identifiers: ClinVar variation 933300 (VCV000933300.11), dbSNP rs368907491, ClinGen allele CA5871532.

ClinVar aggregate classification (germline): Uncertain significance. Review status: criteria provided, multiple submitters, no conflicts (2 of 4 stars). 4 submissions from 4 submitters: Uncertain significance (4). Last evaluated 2026-06-03.

Conditions:
TUB-related disorder. Also called: TUB-related condition.
Retinal dystrophy and obesity (RDOB). Identifiers: Orphanet 791, MedGen C4015424, MONDO:0014522, OMIM 616188.

Allele frequency attached by ClinVar (database versions not stated): ExAC 0.00004; gnomAD 0.00004; TOPMed 0.00005; gnomAD exomes 0.00006; ESP Exome Variant Server 0.00008.
gnomAD v4.1: 128 of 1,614,072 alleles (0.0079%); highest among the groups gnomAD compares: Admixed American, 0.013%; no homozygotes.

Submissions (4):

PreventionGenetics, part of Exact Sciences
Classification: Uncertain significance for TUB-related condition. Last evaluated: 2026-06-03. Review status: criteria provided, single submitter. Criteria: ACMG Guidelines, 2015. Collection method: clinical testing. Allele origin: germline.
Comment: The TUB c.1663G>A variant is predicted to result in the amino acid substitution p.Asp555Asn. This variant has been reported in at least one individual with a developmental disorder as a de novo variant (Turner et al 2019. PubMed ID: 31785789; Kaplanis et al. 2020. PubMed ID: 33057194; Zhou et al. 2022. PubMed ID: 35982159). However, this variant is also reported in 0.060% of alleles in individuals of Ashkenazi Jewish descent in gnomAD which may be too frequent to be a primary cause of disease. Although we suspect that this variant may be benign, at this time, the clinical significance of this variant is uncertain due to the absence of conclusive functional and genetic evidence.

Labcorp Genetics (formerly Invitae), Labcorp
Classification: Uncertain significance. Last evaluated: 2024-12-16. Review status: criteria provided, single submitter. Criteria: Invitae Variant Classification Sherloc (09022015). Collection method: clinical testing. Allele origin: germline.
Comment: This sequence change replaces aspartic acid, which is acidic and polar, with asparagine, which is neutral and polar, at codon 555 of the TUB protein (p.Asp555Asn). This variant is present in population databases (rs368907491, gnomAD 0.06%). This missense change has been observed in individual(s) with developmental disorder (PMID: 31785789, 33057194). ClinVar contains an entry for this variant (Variation ID: 933300). An algorithm developed to predict the effect of missense changes on protein structure and function (PolyPhen-2) suggests that this variant is likely to be disruptive. In summary, the available evidence is currently insufficient to determine the role of this variant in disease. Therefore, it has been classified as a Variant of Uncertain Significance.

Blueprint Genetics
Classification: Uncertain significance. Last evaluated: 2024-11-27. Review status: criteria provided, single submitter. Criteria: ACMG Guidelines, 2015. Collection method: clinical testing. Allele origin: germline.

New York Genome Center
Classification: Uncertain significance for Retinal dystrophy and obesity. Last evaluated: 2021-01-26. Review status: criteria provided, single submitter. Criteria: NYGC Assertion Criteria 2020. Collection method: clinical testing. Allele origin: germline. Observed: 1 heterozygote.

Literature cited by the submitters: PubMed 31785789 (cited by Labcorp Genetics (formerly Invitae), Labcorp); PubMed 33057194 (cited by Labcorp Genetics (formerly Invitae), Labcorp).